The following is an entry in ClinVar:

ClinVar aggregate classification (germline): Uncertain significance. Review status: criteria provided, multiple submitters, no conflicts (2 of 4 stars). 2 submissions from 2 submitters: Uncertain significance (2). Last evaluated 2025-07-17.

Conditions:
POLD1-related polyposis and colorectal cancer syndrome (CRCS10). Also called: Colorectal cancer 10; COLORECTAL CANCER, SUSCEPTIBILITY TO, ON CHROMOSOME 19q; Colorectal cancer, susceptibility to, 10. Identifiers: Orphanet 220460, MedGen C2675481, MONDO:0012953, OMIM 612591.
Hereditary cancer-predisposing syndrome. Also called: Tumor predisposition; Hereditary Cancer Syndrome; Hereditary neoplastic syndrome; Neoplastic Syndromes, Hereditary. Identifiers: Orphanet 140162, MedGen C0027672, MeSH D009386, MONDO:0015356.

Submissions (2):

Ambry Genetics
Classification: Uncertain significance for Hereditary cancer-predisposing syndrome. Last evaluated: 2025-07-17. Review status: criteria provided, single submitter. Criteria: Ambry Variant Classification Scheme 2023. Collection method: clinical testing. Allele origin: germline.
Comment: The p.M161V variant (also known as c.481A>G), located in coding exon 4 of the POLD1 gene, results from an A to G substitution at nucleotide position 481. The methionine at codon 161 is replaced by valine, an amino acid with highly similar properties. This amino acid position is conserved. In addition, this alteration is predicted to be tolerated by in silico analysis. Based on the available evidence, the clinical significance of this variant remains unclear.

Labcorp Genetics (formerly Invitae), Labcorp
Classification: Uncertain significance for POLD1-related polyposis and colorectal cancer syndrome. Last evaluated: 2022-08-16. Review status: criteria provided, single submitter. Criteria: Invitae Variant Classification Sherloc (09022015). Collection method: clinical testing. Allele origin: germline.
Comment: In summary, the available evidence is currently insufficient to determine the role of this variant in disease. Therefore, it has been classified as a Variant of Uncertain Significance. Algorithms developed to predict the effect of sequence changes on RNA splicing suggest that this variant may create or strengthen a splice site. Algorithms developed to predict the effect of missense changes on protein structure and function (SIFT, PolyPhen-2, Align-GVGD) all suggest that this variant is likely to be tolerated. ClinVar contains an entry for this variant (Variation ID: 858039). This variant has not been reported in the literature in individuals affected with POLD1-related conditions. This variant is not present in population databases (gnomAD no frequency). This sequence change replaces methionine, which is neutral and non-polar, with valine, which is neutral and non-polar, at codon 161 of the POLD1 protein (p.Met161Val).

NM_002691.4(POLD1):c.481A>G (p.Met161Val)

Gene: POLD1 (DNA polymerase delta 1, catalytic subunit; plus strand). Cytogenetic location: 19q13.33.
Variant type: single nucleotide variant.
Coding change: c.481A>G on transcript NM_002691.4 (MANE Select); coding-DNA position 481, A replaced by G.
Protein change: p.Met161Val; replaces methionine 161 with valine.
Molecular consequence: missense variant. On other transcripts: non-coding transcript variant (1).
Genome position (GRCh38, 1-based): chr19:50,402,016, A>G. VCF-style: chr19-50402016-A-G. GRCh37 (hg19) VCF-style: chr19-50905273-A-G.
Other names: c.481A>G, p.Met161Val (NM_001256849.1, NM_001308632.1); c.481A>G (NM_002691.2); short protein forms M161V.
Identifiers: ClinVar variation 858039 (VCV000858039.8), dbSNP rs763969133, ClinGen allele CA406972945.